The following is an entry in ClinVar:

NM_001159699.2(FHL1):c.891A>T (p.Ter297Tyr)

Gene: FHL1 (four and a half LIM domains 1; plus strand). Cytogenetic location: Xq26.3.
Variant type: single nucleotide variant.
Coding change: c.891A>T on transcript NM_001159699.2 (MANE Select); coding-DNA position 891, A replaced by T.
Protein change: p.Ter297Tyr.
Molecular consequence: stop lost. On other transcripts: 3 prime UTR variant (6), non-coding transcript variant (1).
Genome position (GRCh38, 1-based): chrX:136,210,025, A>T. VCF-style: chrX-136210025-A-T. GRCh37 (hg19) VCF-style: chrX-135292184-A-T.
Other names: c.843A>T, p.Ter281Tyr (NM_001159700.2, NM_001159704.1, NM_001167819.1 and 4 more transcripts); c.930A>T, p.Ter310Tyr (NM_001159701.2); c.*71A>T (NM_001159702.3, NM_001159703.2, NM_001330659.2 and 3 more transcripts).
Identifiers: ClinVar variation 1763380 (VCV001763380.5), dbSNP rs2073968496, ClinGen allele CA414609964.

ClinVar aggregate classification (germline): Uncertain significance. Review status: criteria provided, multiple submitters, no conflicts (2 of 4 stars). 3 submissions from 3 submitters: Uncertain significance (3). Last evaluated 2024-12-23.

Conditions:
Cardiovascular phenotype. Identifiers: MedGen CN230736.
X-linked myopathy with postural muscle atrophy. Also called: FHL1-Related Emery-Dreifuss Muscular Dystrophy, X-Linked. Identifiers: Orphanet 178461, MedGen C2678055, MONDO:0010401, OMIM 300696.

Submissions (3):

Revvity Omics, Revvity
Classification: Uncertain significance. Last evaluated: 2024-12-23. Review status: criteria provided, single submitter. Criteria: ACMG Guidelines, 2015. Collection method: clinical testing. Allele origin: germline.

Labcorp Genetics (formerly Invitae), Labcorp
Classification: Uncertain significance for X-linked myopathy with postural muscle atrophy. Last evaluated: 2024-02-06. Review status: criteria provided, single submitter. Criteria: Invitae Variant Classification Sherloc (09022015). Collection method: clinical testing. Allele origin: germline.
Comment: This sequence change disrupts the translational stop signal of the FHL1 mRNA. It is expected to extend the length of the FHL1 protein by 52 additional amino acid residues. This variant is not present in population databases (gnomAD no frequency). This variant has not been reported in the literature in individuals affected with FHL1-related conditions. ClinVar contains an entry for this variant (Variation ID: 1763380). Experimental studies and prediction algorithms are not available or were not evaluated, and the functional significance of this variant is currently unknown. This variant results in an extension of the FHL1 protein. Other variant(s) that result in a similarly extended protein product (p.*281Gluext*52) have been observed in individuals with FHL1-related disease (PMID: 19716112). This suggests that these extensions may be clinically significant. In summary, the available evidence is currently insufficient to determine the role of this variant in disease. Therefore, it has been classified as a Variant of Uncertain Significance.

Ambry Genetics
Classification: Uncertain significance for Cardiovascular phenotype. Last evaluated: 2021-12-21. Review status: criteria provided, single submitter. Criteria: Ambry Variant Classification Scheme 2023. Collection method: clinical testing. Allele origin: germline.
Comment: The c.843A>T variant (also known as p.*281Yext*52), located in coding exon 5 of the FHL1 gene, results from an A to T substitution at nucleotide position 843. This alteration disrupts the stop codon of the FHL1 gene and is predicted to preserve the native sequence while resulting in the elongation of the protein by 52 amino acids. The exact functional effect of the additional amino acids is unknown. Moderate segregation with Emery Dreifuss Muscular Dystrophy (EDMD) has been observed in one family carrying a very similar alteration (p.*281Eext*52), in which the protein product is also elongated by the same 52 amino acid extension, except the stop codon at position 281 is replaced by a glutamic acid residue instead of tyrosine (Gueneau L et al. Am J Hum Genet, 2009 Sep;85:338-53). Since supporting evidence is limited at this time, the clinical significance of this alteration remains unclear.

Literature cited by the submitters: PubMed 19716112 (cited by Labcorp Genetics (formerly Invitae), Labcorp and Ambry Genetics).